The following is an entry in ClinVar:

ClinVar aggregate classification (germline): Likely pathogenic (1 of 4 stars; one submission).

Submission:

GeneDx
Classification: Likely pathogenic. Last evaluated: 2023-03-30. Review status: criteria provided, single submitter. Criteria: GeneDx Variant Classification Process June 2021. Collection method: clinical testing. Allele origin: germline. Affected: yes.
Comment: In-frame deletion of 24 amino acids in a non-repeat region predicted to critically alter the protein; Not observed at significant frequency in large population cohorts (gnomAD); Has not been previously published as pathogenic or benign to our knowledge

NM_000548.5(TSC2):c.2386_2457del (p.Leu796_Ile819del)

Gene: TSC2 (TSC complex subunit 2; plus strand). Cytogenetic location: 16p13.3.
Variant type: Deletion.
Coding change: c.2386_2457del on transcript NM_000548.5 (MANE Select); coding-DNA positions 2386 to 2457, 72 bases deleted.
Protein change: p.Leu796_Ile819del.
Molecular consequence: inframe deletion.
Genome position (GRCh38, 1-based): chr16:2,074,230-2,074,301, 72 bases deleted. GRCh37 (hg19): chr16:2,124,231-2,124,302.
Other names: c.2386_2457delCTCATCCACCGCTGTGCCAGCCAGTGCGTCGTGGCCTTGTCCATCTGCAGCGTGGAGATGCCTGACATCATC (NM_000548.3); c.2386_2457del, p.Leu796_Ile819del (NM_001077183.3, NM_001114382.3, NM_001363528.2 and 3 more transcripts); c.2275_2346del, p.Leu759_Ile782del (NM_001318827.2); c.2239_2310del, p.Leu747_Ile770del (NM_001318829.2); c.1786_1857del, p.Leu596_Ile619del (NM_001318831.2); c.2419_2490del, p.Leu807_Ile830del (NM_001318832.2); c.2386_2457del (NM_000548.3); c.2386_2457del72 (NM_000548.3).
Identifiers: ClinVar variation 450918 (VCV000450918.3), dbSNP rs1555507504, ClinGen allele CA658658377.